The following is an entry in ClinVar:

ClinVar aggregate classification (germline): Benign. Review status: criteria provided, multiple submitters, no conflicts (2 of 4 stars). 2 submissions from 2 submitters: Benign (2). Last evaluated 2025-10-23.

Conditions:
KMT2D-related disorder. Also called: KMT2D-Related Disorders.
Kabuki syndrome. Also called: NIIKAWA-KUROKI SYNDROME; Kabuki make-up syndrome. Identifiers: Orphanet 2322, MedGen C0796004, MONDO:0016512.

Allele frequency attached by ClinVar (database versions not stated): gnomAD 0.00001; TOPMed 0.00001; ExAC 0.00002; gnomAD exomes 0.00002 and 0.00003.
gnomAD v4.1: 32 of 1,544,398 alleles (0.0021%); highest among the groups gnomAD compares: Admixed American, 0.0081%; no homozygotes.

Submissions (2):

PreventionGenetics, part of Exact Sciences
Classification: Benign for KMT2D-related condition. Last evaluated: 2025-10-23. Review status: criteria provided, single submitter. Criteria: ACMG Guidelines, 2015. Collection method: clinical testing. Allele origin: germline.
Comment: This variant is classified as benign based on ACMG/AMP sequence variant interpretation guidelines (Richards et al. 2015 PMID: 25741868, with internal and published modifications).

Labcorp Genetics (formerly Invitae), Labcorp
Classification: Benign for Kabuki syndrome. Last evaluated: 2025-04-18. Review status: criteria provided, single submitter. Criteria: Invitae Variant Classification Sherloc (09022015). Collection method: clinical testing. Allele origin: germline.

NM_003482.4(KMT2D):c.2737G>A (p.Glu913Lys)

Gene: KMT2D (lysine methyltransferase 2D; minus strand). Cytogenetic location: 12q13.12.
Variant type: single nucleotide variant.
Coding change: c.2737G>A on transcript NM_003482.4 (MANE Select); coding-DNA position 2737, G replaced by A.
Protein change: p.Glu913Lys; replaces glutamic acid 913 with lysine.
Molecular consequence: missense variant.
Genome position (GRCh38, 1-based): chr12:49,050,946, C>T on the plus strand (G>A on the coding strand, the complement: KMT2D is on the minus strand). VCF-style: chr12-49050946-C-T. GRCh37 (hg19) VCF-style: chr12-49444729-C-T.
Other names: short protein forms E913K.
Identifiers: ClinVar variation 309079 (VCV000309079.8), dbSNP rs199724002, ClinGen allele CA6548199.
Genomic context (GRCh38, chr12:49,050,946, plus strand): 5'-CTGGTGGCATCAGCTGAGGCGACAAGGATGGCTCCCCAGATGGGGACAACGGCAGCTCCT[C>T]GGGCAGAGGGGACAGAGGTGGTTCCCCAGGCTCAGACAGGGCTGGCTCTCCAAGCAAGGG-3'
Protein context (NP_003473.3, residues 903-923): PGEPPLSPLP[Glu913Lys]ELPLSPSGEP